The following is an entry in ClinVar:

ClinVar aggregate classification (germline): Uncertain significance (1 of 4 stars; one submission).

Allele frequency attached by ClinVar (database versions not stated): gnomAD 0.00001; gnomAD exomes 0.00001; ExAC 0.00003; 1000 Genomes Project 30x 0.00016; 1000 Genomes Project 0.00020.
gnomAD v4.1: 10 of 1,599,384 alleles (0.00063%); highest among the groups gnomAD compares: Middle Eastern, 0.017%; no homozygotes.

Submission:

Labcorp Genetics (formerly Invitae), Labcorp
Classification: Uncertain significance. Last evaluated: 2022-01-11. Review status: criteria provided, single submitter. Criteria: Invitae Variant Classification Sherloc (09022015). Collection method: clinical testing. Allele origin: germline.
Comment: In summary, the available evidence is currently insufficient to determine the role of this variant in disease. Therefore, it has been classified as a Variant of Uncertain Significance. Algorithms developed to predict the effect of missense changes on protein structure and function are either unavailable or do not agree on the potential impact of this missense change (SIFT: "Deleterious"; PolyPhen-2: "Possibly Damaging"; Align-GVGD: "Class C0"). This variant has not been reported in the literature in individuals affected with VPS13C-related conditions. This variant is present in population databases (rs201872503, gnomAD 0.007%). This sequence change replaces alanine, which is neutral and non-polar, with aspartic acid, which is acidic and polar, at codon 998 of the VPS13C protein (p.Ala998Asp).

NM_020821.3(VPS13C):c.2993C>A (p.Ala998Asp)

Gene: VPS13C (vacuolar protein sorting 13 homolog C; minus strand). Cytogenetic location: 15q22.2.
Variant type: single nucleotide variant.
Coding change: c.2993C>A on transcript NM_020821.3 (MANE Select); coding-DNA position 2993, C replaced by A.
Protein change: p.Ala998Asp; replaces alanine 998 with aspartic acid.
Molecular consequence: missense variant.
Genome position (GRCh38, 1-based): chr15:61,966,141, G>T on the plus strand (C>A on the coding strand, the complement: VPS13C is on the minus strand). VCF-style: chr15-61966141-G-T. GRCh37 (hg19) VCF-style: chr15-62258340-G-T.
Other names: c.2993C>A, p.Ala998Asp (NM_001018088.3); c.2864C>A, p.Ala955Asp (NM_017684.5, NM_018080.4); short protein forms A955D, A998D.
Identifiers: ClinVar variation 1957099 (VCV001957099.5), dbSNP rs201872503, ClinGen allele CA7596515.
Genomic context (GRCh38, chr15:61,966,141, plus strand): 5'-ACCTTAACTGTTTGTTCAGTTTTTCCAAAAGCAGTTTGAAAACTAGGTCCATTCTTATCA[G>T]CCTGAAAAAAGAAGTAAAAGTTCTAAAGAAGGTACTAGGATCGAAGTAAATAAATCACTT-3'
Protein context (NP_065872.1, residues 988-1008): LDLLKVEYIK[Ala998Asp]DKNGPSFQTA